The following is an entry in ClinVar:

NM_153704.6(TMEM67):c.1497T>G (p.Asp499Glu)

Gene: TMEM67 (transmembrane protein 67; plus strand). Cytogenetic location: 8q22.1.
Variant type: single nucleotide variant.
Coding change: c.1497T>G on transcript NM_153704.6 (MANE Select); coding-DNA position 1497, T replaced by G.
Protein change: p.Asp499Glu; replaces aspartic acid 499 with glutamic acid.
Molecular consequence: missense variant. On other transcripts: non-coding transcript variant (1).
Genome position (GRCh38, 1-based): chr8:93,787,928, T>G. VCF-style: chr8-93787928-T-G. GRCh37 (hg19) VCF-style: chr8-94800156-T-G.
Other names: c.1254T>G, p.Asp418Glu (NM_001142301.1); short protein forms D418E, D499E.
Identifiers: ClinVar variation 3344365 (VCV003344365.1).
Genomic context (GRCh38, chr8:93,787,928, plus strand): 5'-AAATGGAAACATCTACCCTCCCTTAATCACCATTGCCTACAGTGACATTGATATCAAAGA[T>G]GCCAACAGCCAGTCTGTGAAGGTGAGTTCCTGACTTATTAGTGCCCTTGTATGTATAAAT-3'
Protein context (NP_714915.3, residues 489-509): TIAYSDIDIK[Asp499Glu]ANSQSVKVSF

ClinVar aggregate classification (germline): Uncertain significance (0 of 4 stars; one submission).

Conditions:
TMEM67-related disorder. Also called: TMEM67-related condition; TMEM67-related disorders. Identifiers: MedGen CN239423.

gnomAD v4.1: 7 of 1,613,774 alleles (0.00043%); highest among the groups gnomAD compares: Non-Finnish European, 0.00059%; no homozygotes.

Submission:

PreventionGenetics, part of Exact Sciences
Classification: Uncertain significance for TMEM67-related condition. Last evaluated: 2024-09-25. Review status: no assertion criteria provided. Collection method: clinical testing. Allele origin: germline.
Comment: The TMEM67 c.1497T>G variant is predicted to result in the amino acid substitution p.Asp499Glu. To our knowledge, this variant has not been reported in the literature or in a large population database, indicating this variant is rare. At this time, the clinical significance of this variant is uncertain due to the absence of conclusive functional and genetic evidence.